The following is an entry in ClinVar:

NM_052947.4(ALPK2):c.6047T>C (p.Leu2016Pro)

Gene: ALPK2 (alpha kinase 2; minus strand). Cytogenetic location: 18q21.31.
Variant type: single nucleotide variant.
Coding change: c.6047T>C on transcript NM_052947.4 (MANE Select); coding-DNA position 6047, T replaced by C.
Protein change: p.Leu2016Pro; replaces leucine 2016 with proline.
Molecular consequence: missense variant.
Genome position (GRCh38, 1-based): chr18:58,504,131, A>G on the plus strand (T>C on the coding strand, the complement: ALPK2 is on the minus strand). VCF-style: chr18-58504131-A-G. GRCh37 (hg19) VCF-style: chr18-56171363-A-G.
Other names: short protein forms L2016P.
Identifiers: ClinVar variation 3228839 (VCV003228839.1), dbSNP rs1242431911, ClinGen allele CA402544550.

ClinVar aggregate classification (germline): Uncertain significance (1 of 4 stars; one submission).

Allele frequency attached by ClinVar (database versions not stated): gnomAD exomes below 0.00001.
gnomAD v4.1: 3 of 1,614,108 alleles (0.00019%); highest among the groups gnomAD compares: South Asian, 0.0011%; no homozygotes.

Submission:

Ambry Genetics
Classification: Uncertain significance. Last evaluated: 2023-09-27. Review status: criteria provided, single submitter. Criteria: Ambry Variant Classification Scheme 2023. Collection method: clinical testing. Allele origin: germline.
Comment: The p.L2016P variant (also known as c.6047T>C), located in coding exon 10 of the ALPK2 gene, results from a T to C substitution at nucleotide position 6047. The leucine at codon 2016 is replaced by proline, an amino acid with similar properties. This amino acid position is conserved. In addition, the in silico prediction for this alteration is inconclusive. Since supporting evidence is limited at this time, the clinical significance of this alteration remains unclear.